The following is an entry in ClinVar:

ClinVar aggregate classification (germline): Benign. Review status: criteria provided, multiple submitters, no conflicts (2 of 4 stars). 5 submissions from 5 submitters: Benign (5). Last evaluated 2026-02-01.

Conditions:
Imerslund-Grasbeck syndrome type 1 (IGS1). Also called: Megaloblastic anemia 1, Finnish type; MEGALOBLASTIC ANEMIA, 1; Imerslund-Gräsbeck syndrome 1. Identifiers: MedGen C4016819, MONDO:0100156, OMIM 261100.
Imerslund-Grasbeck syndrome. Also called: ENTEROCYTE COBALAMIN MALABSORPTION; ENTEROCYTE INTRINSIC FACTOR RECEPTOR, DEFECT OF; Megaloblastic anemia due to inborn errors of metabolism; Imerslund-Gräsbeck syndrome; PERNICIOUS ANEMIA, JUVENILE, DUE TO SELECTIVE INTESTINAL MALABSORPTION OF VITAMIN B12, WITH PROTEINURIA. Identifiers: Orphanet 35858, MedGen C4551825, MONDO:0009853.

Allele frequency attached by ClinVar (database versions not stated): ESP Exome Variant Server 0.00677; gnomAD 0.00833 and 0.01067; TOPMed 0.00952; gnomAD exomes 0.01249 and 0.01647; ExAC 0.01688; 1000 Genomes Project 30x 0.02936; 1000 Genomes Project 0.03095.
gnomAD v4.1: 19,994 of 1,613,734 alleles (1.2%); highest among the groups gnomAD compares: East Asian, 12%; 502 homozygotes.

Submissions (10):

Labcorp Genetics (formerly Invitae), Labcorp
Classification: Benign for Imerslund-Grasbeck syndrome. Last evaluated: 2026-02-01. Review status: criteria provided, single submitter. Criteria: Invitae Variant Classification Sherloc (09022015). Collection method: clinical testing. Allele origin: germline.

Mayo Clinic Laboratories, Mayo Clinic
Classification: Benign. Last evaluated: 2023-04-03. Review status: criteria provided, single submitter. Criteria: ACMG Guidelines, 2015. Collection method: clinical testing. Allele origin: germline. Observed: 7 variant alleles.

GeneDx
Classification: Benign. Last evaluated: 2018-10-01. Review status: criteria provided, single submitter. Criteria: GeneDx Variant Classification Process June 2021. Collection method: clinical testing. Allele origin: germline. Affected: yes.

Illumina Laboratory Services, Illumina
Classification: Benign for Imerslund-Grasbeck syndrome type 1. Last evaluated: 2018-01-12. Review status: criteria provided, single submitter. Criteria: ICSL Variant Classification Criteria 13 December 2019. Collection method: clinical testing. Allele origin: germline.
Comment: This variant was observed in the ICSL laboratory as part of a predisposition screen in an ostensibly healthy population. It had not been previously curated by ICSL or reported in the Human Gene Mutation Database (HGMD: prior to June 1st, 2018), and was therefore a candidate for classification through an automated scoring system. Utilizing variant allele frequency, disease prevalence and penetrance estimates, and inheritance mode, an automated score was calculated to assess if this variant is too frequent to cause the disease. Based on the score and internal cut-off values, a variant classified as benign is not then subjected to further curation. The score for this variant resulted in a classification of benign for this disease.

Breakthrough Genomics
Classification: Benign. Review status: criteria provided, single submitter. Criteria: ACMG Guidelines, 2015. Collection method: not provided. Allele origin: germline. Inheritance: Autosomal recessive inheritance. Affected: yes.

Dr. Peter K. Rogan Lab, Western University
No classification provided (evidence only). Condition: Clear cell carcinoma of kidney. Review status: no classification provided. Collection method: in vitro. Allele origin: not applicable. Functional consequence: retained intron. Not counted in ClinVar's aggregate classification.

Dr. Peter K. Rogan Lab, Western University
No classification provided (evidence only). Condition: Clear cell carcinoma of kidney. Review status: no classification provided. Collection method: in vitro. Allele origin: not applicable. Functional consequence: retained intron. Not counted in ClinVar's aggregate classification.

Dr. Peter K. Rogan Lab, Western University
No classification provided (evidence only). Condition: Gastric cancer. Review status: no classification provided. Collection method: in vitro. Allele origin: not applicable. Functional consequence: retained intron. Not counted in ClinVar's aggregate classification.

Dr. Peter K. Rogan Lab, Western University
No classification provided (evidence only). Condition: Gastric cancer. Review status: no classification provided. Collection method: in vitro. Allele origin: not applicable. Functional consequence: retained intron. Not counted in ClinVar's aggregate classification.

Dr. Peter K. Rogan Lab, Western University
No classification provided (evidence only). Condition: Malignant tumor of esophagus. Review status: no classification provided. Collection method: in vitro. Allele origin: not applicable. Functional consequence: retained intron. Not counted in ClinVar's aggregate classification.

NM_001081.4(CUBN):c.6561G>A (p.Ser2187=)

Gene: CUBN (cubilin; minus strand). Cytogenetic location: 10p13.
Variant type: single nucleotide variant.
Coding change: c.6561G>A on transcript NM_001081.4 (MANE Select); coding-DNA position 6561, G replaced by A.
Protein change: p.Ser2187=; no amino-acid change (serine 2187 retained).
Molecular consequence: synonymous variant.
Genome position (GRCh38, 1-based): chr10:16,925,326, C>T on the plus strand (G>A on the coding strand, the complement: CUBN is on the minus strand). VCF-style: chr10-16925326-C-T. GRCh37 (hg19) VCF-style: chr10-16967325-C-T.
Other names: p.Ser2187=.
Identifiers: ClinVar variation 299436 (VCV000299436.18), dbSNP rs11254278, ClinGen allele CA5423641.